The following is an entry in ClinVar:

NM_000277.3(PAH):c.1046C>T (p.Ser349Leu)

Gene: PAH (phenylalanine hydroxylase; minus strand). Cytogenetic location: 12q23.2.
Variant type: single nucleotide variant.
Coding change: c.1046C>T on transcript NM_000277.3 (MANE Select); coding-DNA position 1046, C replaced by T.
Protein change: p.Ser349Leu; replaces serine 349 with leucine.
Molecular consequence: missense variant.
Genome position (GRCh38, 1-based): chr12:102,844,355, G>A on the plus strand (C>T on the coding strand, the complement: PAH is on the minus strand). VCF-style: chr12-102844355-G-A. GRCh37 (hg19) VCF-style: chr12-103238133-G-A.
Other names: c.1046C>T (NM_000277.2); c.1046C>T, p.Ser349Leu (NM_001354304.2); short protein forms S349L.
Identifiers: ClinVar variation 102492 (VCV000102492.9), dbSNP rs62507279, ClinGen allele CA229302.

ClinVar aggregate classification (germline): Pathogenic. Review status: criteria provided, multiple submitters, no conflicts (2 of 4 stars). 3 submissions from 3 submitters: Pathogenic (2). 1 of the submissions does not count toward it. Last evaluated 2024-10-07.

Conditions:
Phenylketonuria (PKU). Also called: Phenylketonuria (PKU); FOLLING DISEASE; OLIGOPHRENIA PHENYLPYRUVICA; Phenylketonurias. Identifiers: Orphanet 716, MedGen C0031485, MONDO:0009861, OMIM 261600. Disease mechanism: loss of function.

Submissions (3):

Natera, Inc.
Classification: Pathogenic for Phenylketonuria. Last evaluated: 2024-10-07. Review status: criteria provided, single submitter. Criteria: Natera Variant Classification Schema (03/2026). Collection method: clinical testing. Allele origin: germline.
Comment: The c.1046C>T variant in PAH is a missense variant predicted to cause substitution of serine to leucine at amino acid 349. This variant is rare in the general population with a frequency below the threshold expected for the associated phenotype(s). This variant has been observed in one or more individuals affected with the associated recessive disease, as either homozygous or compound heterozygous with a second variant (PMID: 9600453, 9600453, 19038240). Additionally, this variant has been observed to segregate in affected family members (PMID: 9600453). Functional studies show that this variant may disrupt protein function (PMID: 34353949, 10875932). A different variant at the same position has been determined to be Pathogenic or Likely Pathogenic. Computational prediction algorithms indicate this variant is likely to affect gene or protein function. Given the available evidence, this variant is classified as Pathogenic.

Labcorp Genetics (formerly Invitae), Labcorp
Classification: Pathogenic for Phenylketonuria. Last evaluated: 2021-10-19. Review status: criteria provided, single submitter. Criteria: Invitae Variant Classification Sherloc (09022015). Collection method: clinical testing. Allele origin: germline.
Comment: For these reasons, this variant has been classified as Pathogenic. This variant disrupts the p.Ser349 amino acid residue in PAH. Other variant(s) that disrupt this residue have been determined to be pathogenic (PMID: 2063869, 7860062, 8268925, 8659548, 9399896, 9781015, 10479481, 17096675, 17935162, 18294361, 23500595, 23514811). This suggests that this residue is clinically significant, and that variants that disrupt this residue are likely to be disease-causing. Experimental studies have shown that this missense change affects PAH function (PMID: 9600453, 10875932, 21953985). Algorithms developed to predict the effect of missense changes on protein structure and function are either unavailable or do not agree on the potential impact of this missense change (SIFT: "Not Available"; PolyPhen-2: "Probably Damaging"; Align-GVGD: "Not Available"). ClinVar contains an entry for this variant (Variation ID: 102492). This missense change has been observed in individual(s) with phenylketonuria (PKU) (PMID: 9600453, 18592473). It has also been observed to segregate with disease in related individuals. This variant is not present in population databases (ExAC no frequency). This sequence change replaces serine with leucine at codon 349 of the PAH protein (p.Ser349Leu). The serine residue is highly conserved and there is a large physicochemical difference between serine and leucine.

DeBelle Laboratory for Biochemical Genetics, MUHC/MCH RESEARCH INSTITUTE
No classification provided. Review status: no classification provided. Collection method: not provided. Allele origin: not provided. Not counted in ClinVar's aggregate classification.

Literature cited by the submitters: PubMed 9600453 (cited by Natera, Inc. and Labcorp Genetics (formerly Invitae), Labcorp); PubMed 19038240 (cited by Natera, Inc.); PubMed 34353949 (cited by Natera, Inc.); PubMed 10875932 (cited by Natera, Inc. and Labcorp Genetics (formerly Invitae), Labcorp); PubMed 2063869 (cited by Labcorp Genetics (formerly Invitae), Labcorp); PubMed 7860062 (cited by Labcorp Genetics (formerly Invitae), Labcorp); PubMed 8268925 (cited by Labcorp Genetics (formerly Invitae), Labcorp); PubMed 8659548 (cited by Labcorp Genetics (formerly Invitae), Labcorp); PubMed 9399896 (cited by Labcorp Genetics (formerly Invitae), Labcorp); PubMed 9781015 (cited by Labcorp Genetics (formerly Invitae), Labcorp); PubMed 10479481 (cited by Labcorp Genetics (formerly Invitae), Labcorp); PubMed 17096675 (cited by Labcorp Genetics (formerly Invitae), Labcorp); PubMed 17935162 (cited by Labcorp Genetics (formerly Invitae), Labcorp); PubMed 18294361 (cited by Labcorp Genetics (formerly Invitae), Labcorp); PubMed 23500595 (cited by Labcorp Genetics (formerly Invitae), Labcorp); PubMed 23514811 (cited by Labcorp Genetics (formerly Invitae), Labcorp); PubMed 21953985 (cited by Labcorp Genetics (formerly Invitae), Labcorp); PubMed 18592473 (cited by Labcorp Genetics (formerly Invitae), Labcorp).